The following is an entry in ClinVar:

NM_004655.4(AXIN2):c.4A>C (p.Ser2Arg)

Gene: AXIN2 (axin 2; minus strand). Cytogenetic location: 17q24.1.
Variant type: single nucleotide variant.
Coding change: c.4A>C on transcript NM_004655.4 (MANE Select); coding-DNA position 4, A replaced by C.
Protein change: p.Ser2Arg; replaces serine 2 with arginine.
Molecular consequence: missense variant.
Genome position (GRCh38, 1-based): chr17:65,558,617, T>G on the plus strand (A>C on the coding strand, the complement: AXIN2 is on the minus strand). VCF-style: chr17-65558617-T-G. GRCh37 (hg19) VCF-style: chr17-63554735-T-G.
Other names: c.4A>C, p.Ser2Arg (NM_001363813.1); short protein forms S2R.
Identifiers: ClinVar variation 4188389 (VCV004188389.1).

ClinVar aggregate classification (germline): Uncertain significance (1 of 4 stars; one submission).

Conditions:
Hereditary cancer-predisposing syndrome. Also called: Neoplastic Syndromes, Hereditary; Tumor predisposition; Hereditary Cancer Syndrome; Hereditary neoplastic syndrome. Identifiers: Orphanet 140162, MedGen C0027672, MeSH D009386, MONDO:0015356.

Submission:

Ambry Genetics
Classification: Uncertain significance for Hereditary cancer-predisposing syndrome. Last evaluated: 2025-08-11. Review status: criteria provided, single submitter. Criteria: Ambry Variant Classification Scheme 2023. Collection method: clinical testing. Allele origin: germline.
Comment: The p.S2R variant (also known as c.4A>C), located in coding exon 1 of the AXIN2 gene, results from an A to C substitution at nucleotide position 4. The serine at codon 2 is replaced by arginine, an amino acid with dissimilar properties. This amino acid position is conserved. In addition, the in silico prediction for this alteration is inconclusive. Based on the available evidence, the clinical significance of this variant remains unclear.